The following is an entry in ClinVar:

NM_015102.5(NPHP4):c.2251G>A (p.Val751Ile)

Gene: NPHP4 (nephrocystin 4; minus strand). Cytogenetic location: 1p36.31.
Variant type: single nucleotide variant.
Coding change: c.2251G>A on transcript NM_015102.5 (MANE Select); coding-DNA position 2251, G replaced by A.
Protein change: p.Val751Ile; replaces valine 751 with isoleucine.
Molecular consequence: missense variant. On other transcripts: non-coding transcript variant (1).
Genome position (GRCh38, 1-based): chr1:5,890,921, C>T on the plus strand (G>A on the coding strand, the complement: NPHP4 is on the minus strand). VCF-style: chr1-5890921-C-T. GRCh37 (hg19) VCF-style: chr1-5950981-C-T.
Other names: c.712G>A, p.Val238Ile (NM_001291593.2); c.715G>A, p.Val239Ile (NM_001291594.2); short protein forms V751I, V239I, V238I.
Identifiers: ClinVar variation 596246 (VCV000596246.14), dbSNP rs754838672, ClinGen allele CA554225.

ClinVar aggregate classification (germline): Uncertain significance. Review status: criteria provided, multiple submitters, no conflicts (2 of 4 stars). 3 submissions from 3 submitters: Uncertain significance (3). Last evaluated 2025-03-17.

Conditions:
Nephronophthisis. Also called: Juvenile Nephronophthisis. Identifiers: Orphanet 655, MedGen C0687120, MONDO:0019005, HP:0000090.
Nephronophthisis 4 (NPHP4). Also called: NEPHRONOPHTHISIS 4, JUVENILE. Identifiers: Orphanet 655, MedGen C1847013, MONDO:0011752, OMIM 606966.
Senior-Loken syndrome 4 (SLSN4). Identifiers: Orphanet 3156, MedGen C1846979, MONDO:0011756, OMIM 606996.

Allele frequency attached by ClinVar (database versions not stated): gnomAD exomes 0.00002 and 0.00001; gnomAD 0.00001; TOPMed 0.00001; ExAC 0.00002.
gnomAD v4.1: 28 of 1,610,124 alleles (0.0017%); highest among the groups gnomAD compares: South Asian, 0.0044%; no homozygotes.

Submissions (3):

Labcorp Genetics (formerly Invitae), Labcorp
Classification: Uncertain significance for Nephronophthisis. Last evaluated: 2025-03-17. Review status: criteria provided, single submitter. Criteria: Invitae Variant Classification Sherloc (09022015). Collection method: clinical testing. Allele origin: germline.
Comment: This sequence change replaces valine, which is neutral and non-polar, with isoleucine, which is neutral and non-polar, at codon 751 of the NPHP4 protein (p.Val751Ile). This variant is present in population databases (rs754838672, gnomAD 0.002%). This missense change has been observed in individual(s) with steroid-resistant nephrotic syndrome (PMID: 37464296). ClinVar contains an entry for this variant (Variation ID: 596246). Invitae Evidence Modeling of protein sequence and biophysical properties (such as structural, functional, and spatial information, amino acid conservation, physicochemical variation, residue mobility, and thermodynamic stability) indicates that this missense variant is not expected to disrupt NPHP4 protein function with a negative predictive value of 80%. In summary, the available evidence is currently insufficient to determine the role of this variant in disease. Therefore, it has been classified as a Variant of Uncertain Significance.

Fulgent Genetics
Classification: Uncertain significance for Nephronophthisis 4; Senior-Loken syndrome 4. Last evaluated: 2021-07-30. Review status: criteria provided, single submitter. Criteria: ACMG Guidelines, 2015. Collection method: clinical testing. Allele origin: unknown.

Eurofins Ntd Llc (ga)
Classification: Uncertain significance. Last evaluated: 2018-02-27. Review status: criteria provided, single submitter. Criteria: EGL ClinVar v180209 classification definitions. Collection method: clinical testing. Allele origin: germline. Observed: 1 variant allele, 1 heterozygote.

Literature cited by the submitters: PubMed 37464296 (cited by Labcorp Genetics (formerly Invitae), Labcorp).